The following continues an entry in ClinVar:

NM_000352.6(ABCC8):c.4160_4162del (p.Phe1387del)

Gene: ABCC8. ClinVar aggregate classification (germline): Pathogenic. Pathogenic (13).

Submissions 11 to 18 of 18:

Women's Health and Genetics/Laboratory Corporation of America, LabCorp
Classification: Pathogenic for Familial hyperinsulinism. Last evaluated: 2016-01-21. Review status: criteria provided, single submitter. Criteria: LabCorp Variant Classification Summary - May 2015. Collection method: clinical testing. Allele origin: germline.

Genetic Services Laboratory, University of Chicago
Classification: Pathogenic for Hyperinsulinemic hypoglycemia, familial, 1. Last evaluated: 2015-10-21. Review status: criteria provided, single submitter. Criteria: ACMG Guidelines, 2015. Collection method: clinical testing. Allele origin: germline. Affected: yes.

Eurofins Ntd Llc (ga)
Classification: Pathogenic. Last evaluated: 2014-06-13. Review status: criteria provided, single submitter. Criteria: EGL Classification Definitions 2015. Collection method: clinical testing. Allele origin: germline.

PreventionGenetics, part of Exact Sciences
Classification: Pathogenic for ABCC8-related condition. Last evaluated: 2024-02-13. Review status: no assertion criteria provided. Collection method: clinical testing. Allele origin: germline. Not counted in ClinVar's aggregate classification.
Comment: The ABCC8 c.4160_4162delTCT variant is predicted to result in an in-frame deletion (p.Phe1387del). This variant has been reported in the literature as delta F1388 and is a known founder variant within the Ashkenazi Jewish population (De Franco et al. 2020. PubMed ID: 32027066; Glaser et al. 1999. PubMed ID: 10447255). This variant has been documented in the homozygous and compound heterozygous states in many individuals with familial hyperinsulinism (Nestorowicz et al. 1996. PubMed ID: 8923011; Cartier et al. 2001. PubMed ID: 11226335; Nestorowicz et al. 1998. PubMed ID: 9618169). Functional analysis shows that this variant impacts both membrane trafficking and activity of the potassium channel (Cartier et al. 2001. PubMed ID: 11226335; Shyng et al. 1998. PubMed ID: 9648840). This variant is reported in 0.063% of alleles in individuals of Ashkenazi Jewish descent in gnomAD. This variant is interpreted as pathogenic.

Genomic Diagnostic Laboratory, Division of Genomic Diagnostics, Children's Hospital of Philadelphia
Classification: Pathogenic. Last evaluated: 2015-10-07. Review status: no assertion criteria provided. Collection method: clinical testing. Allele origin: germline. Observed: 3 variant alleles. Not counted in ClinVar's aggregate classification.
Comment: Clinical Testing

OMIM
Classification: Pathogenic for HYPERINSULINEMIC HYPOGLYCEMIA, FAMILIAL, 1. Last evaluated: 1996-11-01. Review status: no assertion criteria provided. Collection method: literature only. Allele origin: germline. Not counted in ClinVar's aggregate classification.

Clinical Genomics, Uppaluri K&H Personalized Medicine Clinic
Classification: Uncertain risk allele for Hyperinsulinemic hypoglycemia, familial, 1. Last evaluated: 2024-05-27. Review status: flagged submission. Criteria: K And H Uppaluri Personalized Medicine Clinic Variant Classification And Assertion Criteria Updated V 2. Collection method: research. Allele origin: unknown. Not counted in ClinVar's aggregate classification.
Comment: This variant is found to be a potent moderate impact, deleterious variant and sufficient scientific evidence to support gene-disease correlation. This is found more frequently in congenital Hyperinsulinism cases as per recent evidence as well. However, since this is not a high impact variant and has limited evidence, this variant is reclassified as Uncertain risk allele only.
ClinVar note: Reason: Outlier claim with insufficient supporting evidence

Clinical Genomics, Uppaluri K&H Personalized Medicine Clinic
Classification: Uncertain risk allele for Maturity-onset diabetes of the young. Last evaluated: 2024-05-27. Review status: flagged submission. Criteria: K And H Uppaluri Personalized Medicine Clinic Variant Classification And Assertion Criteria Updated V 2. Collection method: research. Allele origin: unknown. Not counted in ClinVar's aggregate classification.
Comment: This variant is found to be a potent moderate impact, deleterious variant with a sufficient scientific evidence of gene-disease correlation. However, since this is not a high impact variant and no variant evidence, this variant is reclassified as Uncertain risk allele.
ClinVar note: Reason: Outlier claim with insufficient supporting evidence

Literature cited by the submitters: PubMed 8923011 (cited by 6 submitters); PubMed 9618169 (cited by 3 submitters); PubMed 23275527 (cited by Labcorp Genetics (formerly Invitae), Labcorp and Natera, Inc.); PubMed 11226335 (cited by 3 submitters); PubMed 23327786 (cited by Natera, Inc.); PubMed 17893264 (cited by Natera, Inc.); PubMed 21716120 (cited by 3 submitters); PubMed 21989597 (cited by Variantyx, Inc.); PubMed 9648840 (cited by Variantyx, Inc. and Myriad Genetics, Inc.); PubMed 11999683 (cited by Myriad Genetics, Inc. and Clinical Genomics, Uppaluri K&H Personalized Medicine Clinic); PubMed 10447255 (cited by Myriad Genetics, Inc.); PubMed 22031516 (cited by Clinical Genomics, Uppaluri K&H Personalized Medicine Clinic); PubMed 30753133 (cited by Clinical Genomics, Uppaluri K&H Personalized Medicine Clinic); PubMed 30873120 (cited by Clinical Genomics, Uppaluri K&H Personalized Medicine Clinic); PubMed 27065949 (cited by Clinical Genomics, Uppaluri K&H Personalized Medicine Clinic); PubMed 23345197 (cited by Clinical Genomics, Uppaluri K&H Personalized Medicine Clinic).